The following is an entry in ClinVar:

NM_001365156.1(RFLNA):c.396G>A (p.Thr132=)

Genes: RFLNA (refilin A; plus strand), ZNF664-RFLNA (ZNF664-RFLNA readthrough; plus strand). Cytogenetic location: 12q24.31.
Variant type: single nucleotide variant.
Coding change: c.396G>A on transcript NM_001365156.1 (MANE Select); coding-DNA position 396, G replaced by A.
Protein change: p.Thr132=; no amino-acid change (threonine 132 retained).
Molecular consequence: synonymous variant.
Genome position (GRCh38, 1-based): chr12:124,314,270, G>A. VCF-style: chr12-124314270-G-A. GRCh37 (hg19) VCF-style: chr12-124798816-G-A.
Other names: c.153G>A, p.Thr51= (NM_001204299.3, NM_001347902.2, NM_181709.5).
Identifiers: ClinVar variation 2643547 (VCV002643547.24), dbSNP rs77570261, ClinGen allele CA6866953.
Genomic context (GRCh38, chr12:124,314,270, plus strand): 5'-GTACGCCTCGGAGAAGCATTTCCAGGACAAGGTCTTCTATGCGCCCGTACCCACCGTCAC[G>A]GCCTACAGCGAGACCATCGTGGCAGCACCCAACTGCACGTGGCGCAACTACCGCAGCCAG-3'
Protein context (NP_001352085.1, residues 122-142): KVFYAPVPTV[Thr132=]AYSETIVAAP

ClinVar aggregate classification (germline): Likely benign (1 of 4 stars; one submission).

Allele frequency attached by ClinVar (database versions not stated): gnomAD exomes 0.00017; gnomAD 0.00027; TOPMed 0.00035; ExAC 0.00051; 1000 Genomes Project 30x 0.00109; 1000 Genomes Project 0.00140.
gnomAD v4.1: 310 of 1,613,614 alleles (0.019%); highest among the groups gnomAD compares: East Asian, 0.58%; 4 homozygotes.

Submission:

CeGaT Center for Human Genetics Tuebingen
Classification: Likely benign. Last evaluated: 2023-02-01. Review status: criteria provided, single submitter. Criteria: CeGaT Center For Human Genetics Tuebingen Variant Classification Criteria Version 2. Collection method: clinical testing. Allele origin: germline. Affected: yes. Observed: 1 variant allele.
Comment: RFLNA: BP4, BP7